The following is an entry in ClinVar:

ClinVar aggregate classification (germline): Uncertain significance (1 of 4 stars; one submission).

Conditions:
Familial thoracic aortic aneurysm and aortic dissection (TAAD). Also called: Thoracic aortic aneurysms and dissections. Identifiers: Orphanet 91387, MedGen C4707243, MONDO:0019625.

Submission:

Labcorp Genetics (formerly Invitae), Labcorp
Classification: Uncertain significance for Familial thoracic aortic aneurysm and aortic dissection. Last evaluated: 2017-06-27. Review status: criteria provided, single submitter. Criteria: Invitae Variant Classification Sherloc (09022015). Collection method: clinical testing. Allele origin: germline.
Comment: This sequence change replaces serine with phenylalanine at codon 434 of the TGFBR1 protein (p.Ser434Phe). The serine residue is highly conserved and there is a large physicochemical difference between serine and phenylalanine. This variant is not present in population databases (ExAC no frequency). This variant has not been reported in the literature in individuals with TGFBR1-related disease. Algorithms developed to predict the effect of missense changes on protein structure and function do not agree on the potential impact of this missense change (SIFT: "Tolerated"; PolyPhen-2: "Probably Damaging"; Align-GVGD: "Class C0"). In summary, the available evidence is currently insufficient to determine the role of this variant in disease. Therefore, it has been classified as a Variant of Uncertain Significance.

NM_004612.4(TGFBR1):c.1301C>T (p.Ser434Phe)

Gene: TGFBR1 (transforming growth factor beta receptor 1; plus strand). Cytogenetic location: 9q22.33.
Variant type: single nucleotide variant.
Coding change: c.1301C>T on transcript NM_004612.4 (MANE Select); coding-DNA position 1301, C replaced by T.
Protein change: p.Ser434Phe; replaces serine 434 with phenylalanine.
Molecular consequence: missense variant.
Genome position (GRCh38, 1-based): chr9:99,147,699, C>T. VCF-style: chr9-99147699-C-T. GRCh37 (hg19) VCF-style: chr9-101909981-C-T.
Other names: c.1070C>T, p.Ser357Phe (NM_001130916.3); c.1313C>T, p.Ser438Phe (NM_001306210.2); short protein forms S434F, S438F, S357F.
Identifiers: ClinVar variation 477553 (VCV000477553.9), dbSNP rs886039078, ClinGen allele CA374233333.